The following is an entry in ClinVar:

NM_016151.4(TAOK2):c.1152_1172dup (p.Glu392_Gly393insGluGluGluGluGluGluGlu)

Gene: TAOK2 (TAO kinase 2; plus strand). Cytogenetic location: 16p11.2.
Variant type: Duplication.
Coding change: c.1152_1172dup on transcript NM_016151.4 (MANE Select); coding-DNA positions 1152 to 1172, 21 bases duplicated (GGAGGAAGAGGAGGAGGAGGA).
Protein change: p.Glu392_Gly393insGluGluGluGluGluGluGlu.
Molecular consequence: inframe insertion.
Genome position (GRCh38, 1-based): chr16:29,983,224-29,983,244, GGAGGAAGAGGAGGAGGAGGA duplicated; duplicating any 21 consecutive bases within chr16:29,983,204-29,983,244 gives the same sequence; the c. name uses the placement nearest the transcript's 3' end. VCF-style (leftmost placement, unchanged base first): chr16-29983203-C-CGAGGAAGAGGAGGAGGAGGAG. GRCh37 (hg19) VCF-style: chr16-29994524-C-CGAGGAAGAGGAGGAGGAGGAG.
Other names: c.1152_1172dup, p.Glu392_Gly393insGluGluGluGluGluGluGlu (NM_001252043.2, NM_004783.4).
Identifiers: ClinVar variation 1906352 (VCV001906352.5), dbSNP rs1555463375, ClinGen allele CA622165693.

ClinVar aggregate classification (germline): Uncertain significance (1 of 4 stars; one submission).

Submission:

Labcorp Genetics (formerly Invitae), Labcorp
Classification: Uncertain significance. Last evaluated: 2023-10-23. Review status: criteria provided, single submitter. Criteria: Invitae Variant Classification Sherloc (09022015). Collection method: clinical testing. Allele origin: germline.
Comment: This variant, c.1152_1172dup, results in the insertion of 7 amino acid(s) of the TAOK2 protein (p.Glu386_Glu392dup), but otherwise preserves the integrity of the reading frame. The frequency data for this variant in the population databases is considered unreliable, as metrics indicate poor data quality at this position in the gnomAD database. This variant has not been reported in the literature in individuals affected with TAOK2-related conditions. ClinVar contains an entry for this variant (Variation ID: 1906352). Experimental studies and prediction algorithms are not available or were not evaluated, and the functional significance of this variant is currently unknown. In summary, the available evidence is currently insufficient to determine the role of this variant in disease. Therefore, it has been classified as a Variant of Uncertain Significance.